The following is an entry in ClinVar:

ClinVar aggregate classification (germline): Likely benign (1 of 4 stars; one submission).

Conditions:
DST-related disorder. Also called: DST-related condition; DST-related disorders.

gnomAD v4.1: 10 of 1,348,652 alleles (0.00074%); highest among the groups gnomAD compares: Admixed American, 0.002%; no homozygotes.

Submission:

PreventionGenetics, part of Exact Sciences
Classification: Likely benign for DST-related condition. Last evaluated: 2026-04-15. Review status: criteria provided, single submitter. Criteria: ACMG Guidelines, 2015. Collection method: clinical testing. Allele origin: germline.
Comment: This variant is classified as likely benign based on ACMG/AMP sequence variant interpretation guidelines (Richards et al. 2015 PMID: 25741868, with internal and published modifications).

NM_001374736.1(DST):c.-8C>T

Gene: DST (dystonin; minus strand). Cytogenetic location: 6p12.1.
Variant type: single nucleotide variant.
Coding change: c.-8C>T on transcript NM_001374736.1 (MANE Select); 8 bases upstream of the start codon, C replaced by T.
Molecular consequence: 5 prime UTR variant.
Genome position (GRCh38, 1-based): chr6:56,954,595, G>A on the plus strand (C>T on the coding strand, the complement: DST is on the minus strand). VCF-style: chr6-56954595-G-A. GRCh37 (hg19) VCF-style: chr6-56819393-G-A.
Other names: c.-8C>T (NM_001144769.5, NM_001374722.1, NM_001374734.1).
Identifiers: ClinVar variation 4977260 (VCV004977260.1).